The following is an entry in ClinVar:

NM_012452.3(TNFRSF13B):c.554T>G (p.Phe185Cys)

Gene: TNFRSF13B (TNF receptor superfamily member 13B; minus strand). Cytogenetic location: 17p11.2.
Variant type: single nucleotide variant.
Coding change: c.554T>G on transcript NM_012452.3 (MANE Select); coding-DNA position 554, T replaced by G.
Protein change: p.Phe185Cys; replaces phenylalanine 185 with cysteine.
Molecular consequence: missense variant.
Genome position (GRCh38, 1-based): chr17:16,940,403, A>C on the plus strand (T>G on the coding strand, the complement: TNFRSF13B is on the minus strand). VCF-style: chr17-16940403-A-C. GRCh37 (hg19) VCF-style: chr17-16843717-A-C.
Other names: short protein forms F185C.
Identifiers: ClinVar variation 872650 (VCV000872650.46), dbSNP rs778227535, ClinGen allele CA8413952.

ClinVar aggregate classification (germline): Uncertain significance. Review status: criteria provided, multiple submitters, no conflicts (2 of 4 stars). 2 submissions from 2 submitters: Uncertain significance (2). Last evaluated 2024-12-23.

Conditions:
Immunodeficiency, common variable, 2 (CVID2). Also called: ANTIBODY DEFICIENCY DUE TO TACI DEFECT; HYPOGAMMAGLOBULINEMIA DUE TO TACI DEFICIENCY. Identifiers: Orphanet 1572, MedGen C3150354, MONDO:0009413, OMIM 240500.

Allele frequency attached by ClinVar (database versions not stated): gnomAD 0.00001; gnomAD exomes 0.00001; TOPMed 0.00001; ExAC 0.00002.

Submissions (2):

Labcorp Genetics (formerly Invitae), Labcorp
Classification: Uncertain significance for Immunodeficiency, common variable, 2. Last evaluated: 2024-12-23. Review status: criteria provided, single submitter. Criteria: Invitae Variant Classification Sherloc (09022015). Collection method: clinical testing. Allele origin: germline.
Comment: This sequence change replaces phenylalanine, which is neutral and non-polar, with cysteine, which is neutral and slightly polar, at codon 185 of the TNFRSF13B protein (p.Phe185Cys). This variant is present in population databases (rs778227535, gnomAD 0.006%). This variant has not been reported in the literature in individuals affected with TNFRSF13B-related conditions. ClinVar contains an entry for this variant (Variation ID: 872650). Invitae Evidence Modeling of protein sequence and biophysical properties (such as structural, functional, and spatial information, amino acid conservation, physicochemical variation, residue mobility, and thermodynamic stability) has been performed for this missense variant. However, the output from this modeling did not meet the statistical confidence thresholds required to predict the impact of this variant on TNFRSF13B protein function. In summary, the available evidence is currently insufficient to determine the role of this variant in disease. Therefore, it has been classified as a Variant of Uncertain Significance.

CeGaT Center for Human Genetics Tuebingen
Classification: Uncertain significance. Last evaluated: 2020-12-01. Review status: criteria provided, single submitter. Criteria: CeGaT Center For Human Genetics Tuebingen Variant Classification Criteria Version 2. Collection method: clinical testing. Allele origin: germline. Affected: yes. Observed: 2 variant alleles.